The following is an entry in ClinVar:

ClinVar aggregate classification (germline): Uncertain significance. Review status: criteria provided, multiple submitters, no conflicts (2 of 4 stars). 2 submissions from 2 submitters: Uncertain significance (2). Last evaluated 2025-10-01.

Submissions (2):

CeGaT Center for Human Genetics Tuebingen
Classification: Uncertain significance. Last evaluated: 2025-10-01. Review status: criteria provided, single submitter. Criteria: CeGaT Center For Human Genetics Tuebingen Variant Classification Criteria Version 2. Collection method: clinical testing. Allele origin: germline. Affected: yes. Observed: 1 variant allele.
Comment: ZFHX3: PM2

Ambry Genetics
Classification: Uncertain significance. Last evaluated: 2025-02-13. Review status: criteria provided, single submitter. Criteria: Ambry Variant Classification Scheme 2023. Collection method: clinical testing. Allele origin: germline.

NM_006885.4(ZFHX3):c.4603A>G (p.Met1535Val)

Genes: ZFHX3 (zinc finger homeobox 3; minus strand), ZFHX3-AS1 (ZFHX3 antisense RNA 1; plus strand). Cytogenetic location: 16q22.2.
Variant type: single nucleotide variant.
Coding change: c.4603A>G on transcript NM_006885.4 (MANE Select); coding-DNA position 4603, A replaced by G.
Protein change: p.Met1535Val; replaces methionine 1535 with valine.
Molecular consequence: missense variant.
Genome position (GRCh38, 1-based): chr16:72,798,079, T>C on the plus strand (A>G on the coding strand, the complement: ZFHX3 is on the minus strand). VCF-style: chr16-72798079-T-C. GRCh37 (hg19) VCF-style: chr16-72831978-T-C.
Other names: c.1861A>G, p.Met621Val (NM_001164766.2); c.4603A>G, p.Met1535Val (NM_001386735.1); short protein forms M621V, M1535V.
Identifiers: ClinVar variation 3819000 (VCV003819000.7).
Genomic context (GRCh38, chr16:72,798,079, plus strand): 5'-TGAAAGATTCCTTGCAGACGGTACACTTGTAAGGGCGAGAAGGGTCTAGGAACTTTTCCA[T>C]AGTAAAATTGGGACCTTTTCTGAAAGGCAGAGCTCTCTTTGGCTCTGAGCCCGAGTCTTC-3'
Protein context (NP_008816.3, residues 1525-1545): LPFRKGPNFT[Met1535Val]EKFLDPSRPY